The following is an entry in ClinVar:

ClinVar aggregate classification (germline): Uncertain significance (1 of 4 stars; one submission).

Submission:

Labcorp Genetics (formerly Invitae), Labcorp
Classification: Uncertain significance. Last evaluated: 2024-03-01. Review status: criteria provided, single submitter. Criteria: Invitae Variant Classification Sherloc (09022015). Collection method: clinical testing. Allele origin: germline.
Comment: This sequence change replaces arginine, which is basic and polar, with proline, which is neutral and non-polar, at codon 779 of the MSH3 protein (p.Arg779Pro). This variant is not present in population databases (gnomAD no frequency). This variant has not been reported in the literature in individuals affected with MSH3-related conditions. An algorithm developed to predict the effect of missense changes on protein structure and function (PolyPhen-2) suggests that this variant is likely to be disruptive. In summary, the available evidence is currently insufficient to determine the role of this variant in disease. Therefore, it has been classified as a Variant of Uncertain Significance.

NM_002439.5(MSH3):c.2336G>C (p.Arg779Pro)

Gene: MSH3 (mutS homolog 3; plus strand). Cytogenetic location: 5q14.1.
Variant type: single nucleotide variant.
Coding change: c.2336G>C on transcript NM_002439.5 (MANE Select); coding-DNA position 2336, G replaced by C.
Protein change: p.Arg779Pro; replaces arginine 779 with proline.
Molecular consequence: missense variant.
Genome position (GRCh38, 1-based): chr5:80,778,737, G>C. VCF-style: chr5-80778737-G-C. GRCh37 (hg19) VCF-style: chr5-80074556-G-C.
Other names: short protein forms R779P.
Identifiers: ClinVar variation 3643875 (VCV003643875.2).